The following is an entry in ClinVar:

ClinVar aggregate classification (germline): Uncertain significance (1 of 4 stars; one submission).

Conditions:
Ullrich congenital muscular dystrophy 2 (UCMD2). Identifiers: Orphanet 75840, MedGen C4225314, MONDO:0014654, OMIM 616470.
Bethlem myopathy 2 (BTHLM2). Identifiers: Orphanet 536516, Orphanet 610, MedGen C4225313, MONDO:0034022, OMIM 616471.

Submission:

Labcorp Genetics (formerly Invitae), Labcorp
Classification: Uncertain significance for Bethlem myopathy 2; Ullrich congenital muscular dystrophy 2. Last evaluated: 2021-11-08. Review status: criteria provided, single submitter. Criteria: Invitae Variant Classification Sherloc (09022015). Collection method: clinical testing. Allele origin: germline.
Comment: This sequence change replaces aspartic acid, which is acidic and polar, with glycine, which is neutral and non-polar, at codon 550 of the COL12A1 protein (p.Asp550Gly). This variant is not present in population databases (gnomAD no frequency). This variant has not been reported in the literature in individuals affected with COL12A1-related conditions. Algorithms developed to predict the effect of missense changes on protein structure and function are either unavailable or do not agree on the potential impact of this missense change (SIFT: "Deleterious"; PolyPhen-2: "Probably Damaging"; Align-GVGD: "Class C0"). Algorithms developed to predict the effect of sequence changes on RNA splicing suggest that this variant may create or strengthen a splice site. In summary, the available evidence is currently insufficient to determine the role of this variant in disease. Therefore, it has been classified as a Variant of Uncertain Significance.

NM_004370.6(COL12A1):c.1649A>G (p.Asp550Gly)

Gene: COL12A1 (collagen type XII alpha 1 chain; minus strand). Cytogenetic location: 6q13.
Variant type: single nucleotide variant.
Coding change: c.1649A>G on transcript NM_004370.6 (MANE Select); coding-DNA position 1649, A replaced by G.
Protein change: p.Asp550Gly; replaces aspartic acid 550 with glycine.
Molecular consequence: missense variant. On other transcripts: intron variant (1).
Genome position (GRCh38, 1-based): chr6:75,183,292, T>C on the plus strand (A>G on the coding strand, the complement: COL12A1 is on the minus strand). VCF-style: chr6-75183292-T-C. GRCh37 (hg19) VCF-style: chr6-75893008-T-C.
Other names: c.73+19428A>G (NM_080645.3); short protein forms D550G.
Identifiers: ClinVar variation 1368273 (VCV001368273.1), dbSNP rs2149465853, ClinGen allele CA364769214.